The following is an entry in ClinVar:

ClinVar aggregate classification (germline): Uncertain significance (1 of 4 stars; one submission).

Conditions:
CREBBP-related disorder. Also called: CREBBP-related condition; CREBBP-related disorders.

gnomAD v4.1: 1 of 1,613,968 alleles (0.000062%); highest among the groups gnomAD compares: Non-Finnish European, 0.000085%; no homozygotes.

Submission:

PreventionGenetics, part of Exact Sciences
Classification: Uncertain significance for CREBBP-related condition. Last evaluated: 2025-10-24. Review status: criteria provided, single submitter. Criteria: ACMG Guidelines, 2015. Collection method: clinical testing. Allele origin: germline.
Comment: The CREBBP c.6470A>G variant is predicted to result in the amino acid substitution p.Gln2157Arg. To our knowledge, this variant has not been reported in the literature or in a large population database (gnomAD), indicating this variant is rare. At this time, the clinical significance of this variant is uncertain due to the absence of conclusive functional and genetic evidence.

NM_004380.3(CREBBP):c.6470A>G (p.Gln2157Arg)

Gene: CREBBP (CREB binding lysine acetyltransferase; minus strand). Cytogenetic location: 16p13.3.
Variant type: single nucleotide variant.
Coding change: c.6470A>G on transcript NM_004380.3 (MANE Select); coding-DNA position 6470, A replaced by G.
Protein change: p.Gln2157Arg; replaces glutamine 2157 with arginine.
Molecular consequence: missense variant.
Genome position (GRCh38, 1-based): chr16:3,728,577, T>C on the plus strand (A>G on the coding strand, the complement: CREBBP is on the minus strand). VCF-style: chr16-3728577-T-C. GRCh37 (hg19) VCF-style: chr16-3778578-T-C.
Other names: c.6356A>G, p.Gln2119Arg (NM_001079846.1); short protein forms Q2119R, Q2157R.
Identifiers: ClinVar variation 4991988 (VCV004991988.1).